The following is an entry in ClinVar:

NM_002528.7(NTHL1):c.179A>G (p.Tyr60Cys)

Gene: NTHL1 (nth like DNA glycosylase 1; minus strand). Cytogenetic location: 16p13.3.
Variant type: single nucleotide variant.
Coding change: c.179A>G on transcript NM_002528.7 (MANE Select); coding-DNA position 179, A replaced by G.
Protein change: p.Tyr60Cys; replaces tyrosine 60 with cysteine.
Molecular consequence: missense variant. On other transcripts: initiator codon variant (1).
Genome position (GRCh38, 1-based): chr16:2,046,303, T>C on the plus strand (A>G on the coding strand, the complement: NTHL1 is on the minus strand). VCF-style: chr16-2046303-T-C. GRCh37 (hg19) VCF-style: chr16-2096304-T-C.
Other names: c.179A>G, p.Tyr60Cys (NM_001318193.2); c.1A>G, p.Met1Val (NM_001318194.2); short protein forms M1V, Y60C.
Identifiers: ClinVar variation 820575 (VCV000820575.12), dbSNP rs776076209, ClinGen allele CA7828347.
Genomic context (GRCh38, chr16:2,046,303, plus strand): 5'-TCCCAGACTGGCACCTTGAGGGGCTCAGCCCCCTCACCTTTCTCACTGTCCGAGCCCTCA[T>C]AGGCCACACGCAGTCTCTGTGCTTTCCGCGGACGCTTCACGGGGCTGTGGCTTTTCCTCG-3'
Protein context (NP_002519.2, residues 50-70): PRKAQRLRVA[Tyr60Cys]EGSDSEKGEG

ClinVar aggregate classification (germline): Uncertain significance. Review status: criteria provided, multiple submitters, no conflicts (2 of 4 stars). 2 submissions from 2 submitters: Uncertain significance (2). Last evaluated 2026-01-19.

Conditions:
Hereditary cancer-predisposing syndrome. Also called: Neoplastic Syndromes, Hereditary; Tumor predisposition; Hereditary Cancer Syndrome; Hereditary neoplastic syndrome. Identifiers: Orphanet 140162, MedGen C0027672, MeSH D009386, MONDO:0015356.

Allele frequency attached by ClinVar (database versions not stated): gnomAD exomes below 0.00001; ExAC 0.00001.

Submissions (2):

Labcorp Genetics (formerly Invitae), Labcorp
Classification: Uncertain significance. Last evaluated: 2026-01-19. Review status: criteria provided, single submitter. Criteria: Invitae Variant Classification Sherloc (09022015). Collection method: clinical testing. Allele origin: germline.
Comment: This sequence change replaces tyrosine, which is neutral and polar, with cysteine, which is neutral and slightly polar, at codon 68 of the NTHL1 protein (p.Tyr68Cys). This variant is present in population databases (rs776076209, gnomAD 0.003%). This variant has not been reported in the literature in individuals affected with NTHL1-related conditions. ClinVar contains an entry for this variant (Variation ID: 820575). An algorithm developed to predict the effect of missense changes on protein structure and function (PolyPhen-2) suggests that this variant is likely to be disruptive. In summary, the available evidence is currently insufficient to determine the role of this variant in disease. Therefore, it has been classified as a Variant of Uncertain Significance.

Ambry Genetics
Classification: Uncertain significance for Hereditary cancer-predisposing syndrome. Last evaluated: 2023-12-14. Review status: criteria provided, single submitter. Criteria: Ambry Variant Classification Scheme 2023. Collection method: clinical testing. Allele origin: germline.
Comment: The p.Y68C variant (also known as c.203A>G), located in coding exon 2 of the NTHL1 gene, results from an A to G substitution at nucleotide position 203. The tyrosine at codon 68 is replaced by cysteine, an amino acid with highly dissimilar properties. This amino acid position is highly conserved in available vertebrate species. In addition, this alteration is predicted to be tolerated by in silico analysis. Since supporting evidence is limited at this time, the clinical significance of this alteration remains unclear.